The following is an entry in ClinVar:

ClinVar aggregate classification (germline): Uncertain significance (1 of 4 stars; one submission).

gnomAD v4.1: 4 of 1,614,124 alleles (0.00025%); highest among the groups gnomAD compares: East Asian, 0.0022%; no homozygotes.

Submission:

Women's Health and Genetics/Laboratory Corporation of America, LabCorp
Classification: Uncertain significance. Last evaluated: 2025-02-21. Review status: criteria provided, single submitter. Criteria: LabCorp Variant Classification Summary - May 2015. Collection method: clinical testing. Allele origin: germline.
Comment: Variant summary: COL4A4 c.2311G>A (p.Gly771Arg) results in a non-conservative amino acid change in the encoded protein sequence. Five of five in-silico tools predict a damaging effect of the variant on protein function. The variant allele was found at a frequency of 4e-06 in 249570 control chromosomes (gnomAD). The available data on variant occurrences in the general population are insufficient to allow any conclusion about variant significance. c.2311G>A has been reported in the literature in a heterozygous individual affected with Alport Syndrome (Sun_2018). These data do not allow any conclusion about variant significance. To our knowledge, no experimental evidence demonstrating an impact on protein function has been reported. The following publication has been ascertained in the context of this evaluation (PMID: 30076350). No submitters have cited clinical-significance assessments for this variant to ClinVar. Based on the evidence outlined above, the variant was classified as uncertain significance.

Literature cited by the submitters: PubMed 30076350.

NM_000092.5(COL4A4):c.2311G>A (p.Gly771Arg)

Gene: COL4A4 (collagen type IV alpha 4 chain; minus strand). Cytogenetic location: 2q36.3.
Variant type: single nucleotide variant.
Coding change: c.2311G>A on transcript NM_000092.5 (MANE Select); coding-DNA position 2311, G replaced by A.
Protein change: p.Gly771Arg; replaces glycine 771 with arginine.
Molecular consequence: missense variant.
Genome position (GRCh38, 1-based): chr2:227,059,477, C>T on the plus strand (G>A on the coding strand, the complement: COL4A4 is on the minus strand). VCF-style: chr2-227059477-C-T. GRCh37 (hg19) VCF-style: chr2-227924193-C-T.
Other names: short protein forms G771R.
Identifiers: ClinVar variation 3768895 (VCV003768895.1).